The following is an entry in ClinVar:

NM_007327.4(GRIN1):c.1004C>G (p.Thr335Ser)

Gene: GRIN1 (glutamate ionotropic receptor NMDA type subunit 1; plus strand). Cytogenetic location: 9q34.3.
Variant type: single nucleotide variant.
Coding change: c.1004C>G on transcript NM_007327.4 (MANE Select); coding-DNA position 1004, C replaced by G.
Protein change: p.Thr335Ser; replaces threonine 335 with serine.
Molecular consequence: missense variant.
Genome position (GRCh38, 1-based): chr9:137,158,414, C>G. VCF-style: chr9-137158414-C-G. GRCh37 (hg19) VCF-style: chr9-140052866-C-G.
Other names: c.1004C>G, p.Thr335Ser (NM_000832.7, NM_021569.4); c.1067C>G, p.Thr356Ser (NM_001185090.2, NM_001185091.2); short protein forms T335S, T356S.
Identifiers: ClinVar variation 2413080 (VCV002413080.3), dbSNP rs2538608046, ClinGen allele CA375715365.
Genomic context (GRCh38, chr9:137,158,414, plus strand): 5'-GCCTCAGCTATGCTTCCTTCCCTAGAGTGCTGATGTCTTCCAAGTATGCGGATGGGGTGA[C>G]TGGTCGCGTGGAGTTCAATGAGGATGGGGACCGGAAGTTCGCCAACTACAGCATCATGAA-3'
Protein context (NP_015566.1, residues 325-345): LMSSKYADGV[Thr335Ser]GRVEFNEDGD

ClinVar aggregate classification (germline): Uncertain significance (1 of 4 stars; one submission).

Submission:

GeneDx
Classification: Uncertain significance. Last evaluated: 2023-01-26. Review status: criteria provided, single submitter. Criteria: GeneDx Variant Classification Process June 2021. Collection method: clinical testing. Allele origin: germline. Affected: yes.
Comment: Not observed at significant frequency in large population cohorts (gnomAD); In silico analysis supports that this missense variant has a deleterious effect on protein structure/function; Has not been previously published as pathogenic or benign to our knowledge